The following is an entry in ClinVar:

ClinVar aggregate classification (germline): Pathogenic (1 of 4 stars; one submission).

Conditions:
Nephronophthisis. Also called: Juvenile Nephronophthisis. Identifiers: Orphanet 655, MedGen C0687120, MONDO:0019005, HP:0000090.

Submission:

Labcorp Genetics (formerly Invitae), Labcorp
Classification: Pathogenic for Nephronophthisis. Last evaluated: 2023-02-16. Review status: criteria provided, single submitter. Criteria: Invitae Variant Classification Sherloc (09022015). Collection method: clinical testing. Allele origin: germline.
Comment: For these reasons, this variant has been classified as Pathogenic. This variant disrupts a region of the NPHP1 protein in which other variant(s) (p.Ser718*) have been determined to be pathogenic (PMID: 23559409). This suggests that this is a clinically significant region of the protein, and that variants that disrupt it are likely to be disease-causing. This variant has not been reported in the literature in individuals affected with NPHP1-related conditions. This variant is not present in population databases (gnomAD no frequency). This sequence change creates a premature translational stop signal (p.Leu649*) in the NPHP1 gene. While this is not anticipated to result in nonsense mediated decay, it is expected to disrupt the last 85 amino acid(s) of the NPHP1 protein.

Literature cited by the submitters: PubMed 23559409.

NM_001128178.3(NPHP1):c.1777del (p.Phe592_Leu593insTer)

Gene: NPHP1 (nephrocystin 1; minus strand). Cytogenetic location: 2q13.
Variant type: Deletion.
Coding change: c.1777del on transcript NM_001128178.3 (MANE Select); coding-DNA position 1777, one base deleted (C; older notation c.1777delC).
Protein change: p.Phe592_Leu593insTer.
Molecular consequence: nonsense. On other transcripts: 3 prime UTR variant (1).
Genome position (GRCh38, 1-based): chr2:110,124,048, G deleted on the plus strand (C on the coding strand, the reverse complement: NPHP1 is on the minus strand); the first of 2 consecutive G bases (chr2:110,124,048-110,124,049); deleting either gives the same sequence. VCF-style (leftmost placement, unchanged base first): chr2-110124047-AG-A. GRCh37 (hg19) VCF-style: chr2-110881624-AG-A.
Other names: c.1945del, p.Phe648_Leu649insTer (NM_000272.5); c.1588del, p.Phe529_Leu530insTer (NM_001128179.3); c.1774del, p.Phe591_Leu592insTer (NM_001374256.1); c.*19del (NM_001374257.1); c.1942del, p.Phe647_Leu648insTer (NM_207181.4).
Identifiers: ClinVar variation 2838186 (VCV002838186.3), dbSNP rs2467119538, ClinGen allele CA2739271193.
Genomic context (GRCh38, chr2:110,124,047, plus strand): 5'-CGTGTGGAGTGGAGAAGTGGGAGCACGCAGTCATGGTAAACCAGGAGAAACGTGGACTTC[AG>A]GAACTCTTTGTCTCTCTGGGAAAACACCACCCCCACAAATAACATTGTTATTTTTAAAGT-3'